The following is an entry in ClinVar:

NM_000503.6(EYA1):c.490dup (p.Leu164fs)

Gene: EYA1 (EYA transcriptional coactivator and phosphatase 1; minus strand). Cytogenetic location: 8q13.3.
Variant type: Duplication.
Coding change: c.490dup on transcript NM_000503.6 (MANE Select); coding-DNA position 490, one base duplicated (C; older notation c.490dupC).
Protein change: p.Leu164fs; shifts the reading frame from leucine 164.
Molecular consequence: frameshift variant.
Genome position (GRCh38, 1-based): chr8:71,317,618, G duplicated on the plus strand (C on the coding strand, the reverse complement: EYA1 is on the minus strand). VCF-style (leftmost placement, unchanged base first): chr8-71317617-A-AG. GRCh37 (hg19) VCF-style: chr8-72229852-A-AG.
Other names: c.490dup, p.Leu164fs (NM_172058.4, NM_001370334.1, NM_001370335.1); c.562dup, p.Leu188fs (NM_172059.5); c.472dup, p.Leu158fs (NM_001288574.2); c.124dup, p.Leu42fs (NM_001288575.2); c.577dup, p.Leu193fs (NM_001370333.1); c.559dup, p.Leu187fs (NM_001370336.1); short protein forms L158fs, L193fs, L188fs, L42fs, L164fs, L187fs.
Identifiers: ClinVar variation 1453510 (VCV001453510.8), dbSNP rs2129025227, ClinGen allele CA2573143315.
Genomic context (GRCh38, chr8:71,317,617, plus strand): 5'-ATCTGGTAGCTGTATGGTGCCTGTCCAGGTTGAGGGGTACTGAAGCTTGTGCCATAGCTG[A>AG]GAAATCCTGTCTGTCCAGGTGACTGAGACTGTGACAATCCACCTTCAGTCTTGATGCCTG-3'

ClinVar aggregate classification (germline): Pathogenic (1 of 4 stars; one submission).

Conditions:
Melnick-Fraser syndrome (BOR). Also called: Branchio-oto-renal syndrome; Branchiootorenal Syndrome (BORS); Branchiootorenal syndrome. Identifiers: Orphanet 107, MedGen C0265234, MONDO:0007029.

Submission:

Labcorp Genetics (formerly Invitae), Labcorp
Classification: Pathogenic for Melnick-Fraser syndrome. Last evaluated: 2021-06-13. Review status: criteria provided, single submitter. Criteria: Invitae Variant Classification Sherloc (09022015). Collection method: clinical testing. Allele origin: germline.
Comment: This sequence change creates a premature translational stop signal (p.Leu164Profs*24) in the EYA1 gene. It is expected to result in an absent or disrupted protein product. Loss-of-function variants in EYA1 are known to be pathogenic (PMID: 10464653, 18220287). This variant is not present in population databases (ExAC no frequency). This variant has not been reported in the literature in individuals with EYA1-related conditions. For these reasons, this variant has been classified as Pathogenic.

Literature cited by the submitters: PubMed 10464653; PubMed 18220287.